The following is an entry in ClinVar:

ClinVar aggregate classification (germline): Uncertain significance (1 of 4 stars; one submission).

Conditions:
Muscular dystrophy-dystroglycanopathy (congenital with brain and eye anomalies), type A, 7. Also called: WALKER-WARBURG SYNDROME OR MUSCLE-EYE-BRAIN DISEASE, ISPD-RELATED; Congenital muscular dystrophy-dystroglycanopathy with brain and eye anomalies, type A7. Identifiers: Orphanet 899, MedGen C3553330, MONDO:0013835, OMIM 614643.
Autosomal recessive limb-girdle muscular dystrophy type 2U. Also called: Muscular dystrophy-dystroglycanopathy (limb-girdle), type c, 7; MUSCULAR DYSTROPHY, LIMB-GIRDLE, TYPE 2U. Identifiers: Orphanet 352479, MedGen C5190987, MONDO:0014474, OMIM 616052.

Submission:

Labcorp Genetics (formerly Invitae), Labcorp
Classification: Uncertain significance for Muscular dystrophy-dystroglycanopathy (congenital with brain and eye anomalies), type A, 7; Autosomal recessive limb-girdle muscular dystrophy type 2U. Last evaluated: 2021-11-03. Review status: criteria provided, single submitter. Criteria: Invitae Variant Classification Sherloc (09022015). Collection method: clinical testing. Allele origin: germline.
Comment: In summary, the available evidence is currently insufficient to determine the role of this variant in disease. Therefore, it has been classified as a Variant of Uncertain Significance. Algorithms developed to predict the effect of missense changes on protein structure and function (SIFT, PolyPhen-2, Align-GVGD) all suggest that this variant is likely to be disruptive. This variant has not been reported in the literature in individuals affected with ISPD-related conditions. This variant is not present in population databases (gnomAD no frequency). This sequence change replaces glycine, which is neutral and non-polar, with valine, which is neutral and non-polar, at codon 123 of the ISPD protein (p.Gly123Val).

NM_001101426.4(CRPPA):c.368G>T (p.Gly123Val)

Gene: CRPPA (CDP-L-ribitol pyrophosphorylase A; minus strand). Cytogenetic location: 7p21.2.
Variant type: single nucleotide variant.
Coding change: c.368G>T on transcript NM_001101426.4 (MANE Select); coding-DNA position 368, G replaced by T.
Protein change: p.Gly123Val; replaces glycine 123 with valine.
Molecular consequence: missense variant. On other transcripts: non-coding transcript variant (1).
Genome position (GRCh38, 1-based): chr7:16,406,227, C>A on the plus strand (G>T on the coding strand, the complement: CRPPA is on the minus strand). VCF-style: chr7-16406227-C-A. GRCh37 (hg19) VCF-style: chr7-16445852-C-A.
Other names: c.368G>T, p.Gly123Val (NM_001101417.4, NM_001368197.1); short protein forms G123V.
Identifiers: ClinVar variation 1680794 (VCV001680794.6), dbSNP rs2128318458, ClinGen allele CA367002585.